The following is an entry in ClinVar:

NM_020041.3(SLC2A9):c.1368C>T (p.Thr456=)

Gene: SLC2A9 (solute carrier family 2 member 9; minus strand). Cytogenetic location: 4p16.1.
Variant type: single nucleotide variant.
Coding change: c.1368C>T on transcript NM_020041.3 (MANE Select); coding-DNA position 1368, C replaced by T.
Protein change: p.Thr456=; no amino-acid change (threonine 456 retained).
Molecular consequence: synonymous variant.
Genome position (GRCh38, 1-based): chr4:9,834,932, G>A on the plus strand (C>T on the coding strand, the complement: SLC2A9 is on the minus strand). VCF-style: chr4-9834932-G-A. GRCh37 (hg19) VCF-style: chr4-9836556-G-A.
Other names: c.1281C>T, p.Thr427= (NM_001001290.2).
Identifiers: ClinVar variation 350199 (VCV000350199.6), dbSNP rs375423927, ClinGen allele CA2856880.

ClinVar aggregate classification (germline): Benign/Likely benign. Review status: criteria provided, multiple submitters, no conflicts (2 of 4 stars). 2 submissions from 2 submitters: Benign (1); Likely benign (1). Last evaluated 2025-10-02.

Conditions:
Hypouricemia, renal, 2. Also called: HYPOURICEMIA, RENAL, 2, AUTOSOMAL DOMINANT; HYPOURICEMIA, RENAL, 2, AUTOSOMAL RECESSIVE. Identifiers: MedGen C2677549, MONDO:0012793, OMIM 612076.

Allele frequency attached by ClinVar (database versions not stated): gnomAD 0.00002; ExAC 0.00003; TOPMed 0.00003; gnomAD exomes 0.00004; ESP Exome Variant Server 0.00008.
gnomAD v4.1: 62 of 1,614,036 alleles (0.0038%); highest among the groups gnomAD compares: Non-Finnish European, 0.0047%; no homozygotes.

Submissions (2):

Labcorp Genetics (formerly Invitae), Labcorp
Classification: Likely benign. Last evaluated: 2025-10-02. Review status: criteria provided, single submitter. Criteria: Invitae Variant Classification Sherloc (09022015). Collection method: clinical testing. Allele origin: germline.

Illumina Laboratory Services, Illumina
Classification: Benign for Hypouricemia, renal, 2. Last evaluated: 2018-01-13. Review status: criteria provided, single submitter. Criteria: ICSL Variant Classification Criteria 13 December 2019. Collection method: clinical testing. Allele origin: germline.
Comment: This variant was observed in the ICSL laboratory as part of a predisposition screen in an ostensibly healthy population. It had not been previously curated by ICSL or reported in the Human Gene Mutation Database (HGMD: prior to June 1st, 2018), and was therefore a candidate for classification through an automated scoring system. Utilizing variant allele frequency, disease prevalence and penetrance estimates, and inheritance mode, an automated score was calculated to assess if this variant is too frequent to cause the disease. Based on the score and internal cut-off values, a variant classified as benign is not then subjected to further curation. The score for this variant resulted in a classification of benign for this disease.